The following is an entry in ClinVar:

NM_000141.5(FGFR2):c.842A>G (p.Tyr281Cys)

Gene: FGFR2 (fibroblast growth factor receptor 2; minus strand). Cytogenetic location: 10q26.13.
Variant type: single nucleotide variant.
Coding change: c.842A>G on transcript NM_000141.5 (MANE Select); coding-DNA position 842, A replaced by G.
Protein change: p.Tyr281Cys; replaces tyrosine 281 with cysteine.
Molecular consequence: missense variant. On other transcripts: non-coding transcript variant (1), intron variant (1).
Genome position (GRCh38, 1-based): chr10:121,520,076, T>C on the plus strand (A>G on the coding strand, the complement: FGFR2 is on the minus strand). VCF-style: chr10-121520076-T-C. GRCh37 (hg19) VCF-style: chr10-123279590-T-C.
Other names: c.842A>G, p.Tyr281Cys (NM_001144913.1, NM_001144917.2, NM_001320658.2 and 1 more transcripts); c.575A>G, p.Tyr192Cys (NM_001144915.2, NM_001144919.2, NM_023029.3); c.497A>G, p.Tyr166Cys (NM_001144916.2, NM_001144918.2); c.158A>G, p.Tyr53Cys (NM_001320654.2); c.749-4757A>G (NM_001144914.1); short protein forms Y281C, Y166C, Y53C, Y192C.
Identifiers: ClinVar variation 374811 (VCV000374811.13), dbSNP rs1057519038, ClinGen allele CA16043917.
Genomic context (GRCh38, chr10:121,520,076, plus strand): 5'-TATTTACTGCCGTTCTTTTCCACGTGCTTGATCCACTGGATGTGGGGCTGGGCATCACTG[T>C]AAACCTTGCAGACAAACTCTACGTCTCCTCCGACCACTGTGGAGGCATTTGCCGGCAGTC-3'
Protein context (NP_000132.3, residues 271-291): GGDVEFVCKV[Tyr281Cys]SDAQPHIQWI

ClinVar aggregate classification (germline): Likely pathogenic. Review status: criteria provided, multiple submitters, no conflicts (2 of 4 stars). 5 submissions from 5 submitters: Likely pathogenic (4). 1 of the submissions does not count toward it. Last evaluated 2026-06-12.

Conditions:
Crouzon syndrome. Also called: CRANIOFACIAL DYSOSTOSIS, TYPE I; Craniofacial dysostosis; Craniofacial dysostosis type 1; Crouzon craniofacial dysostosis; Crouzon disease. Identifiers: Orphanet 207, MedGen C0010273, MeSH D003394, MONDO:0007405, OMIM 123500, HP:0004439.
FGFR2-related disorder. Identifiers: MedGen CN380096.
Common craniosynostosis syndromes.
FGFR2-related craniosynostosis. Identifiers: MedGen CN231480.

Submissions (5):

Genetics Laboratory, Great Ormond Street Hospital NHS Foundation Trust, North Thames Genomic Laboratory Hub
Classification: Likely pathogenic for Common craniosynostosis syndromes. Last evaluated: 2026-06-12. Review status: criteria provided, single submitter. Criteria: ACGS Best Practice Guidelines for Variant Classification in Rare Disease 2024 v1.2. Collection method: clinical testing. Allele origin: germline. Affected: yes.
Comment: PS4_moderate, PM2_moderate, PP3_supporting, PP4_supporting

Labcorp Genetics (formerly Invitae), Labcorp
Classification: Likely pathogenic for FGFR2-related craniosynostosis. Last evaluated: 2022-06-30. Review status: criteria provided, single submitter. Criteria: Invitae Variant Classification Sherloc (09022015). Collection method: clinical testing. Allele origin: germline.
Comment: In summary, the currently available evidence indicates that the variant is pathogenic, but additional data are needed to prove that conclusively. Therefore, this variant has been classified as Likely Pathogenic. Algorithms developed to predict the effect of missense changes on protein structure and function (SIFT, PolyPhen-2, Align-GVGD) all suggest that this variant is likely to be disruptive. ClinVar contains an entry for this variant (Variation ID: 374811). This missense change has been observed in individuals with craniosynostosis and/or Crouzon syndrome (PMID: 11781872, 12186468, 16470531, 26557159, 27430617). It has also been observed to segregate with disease in related individuals. This variant is not present in population databases (gnomAD no frequency). This sequence change replaces tyrosine, which is neutral and polar, with cysteine, which is neutral and slightly polar, at codon 281 of the FGFR2 protein (p.Tyr281Cys).

GeneDx
Classification: Likely pathogenic. Last evaluated: 2021-06-11. Review status: criteria provided, single submitter. Criteria: GeneDx Variant Classification Process June 2021. Collection method: clinical testing. Allele origin: germline. Affected: yes.
Comment: Not observed in large population cohorts (Lek et al., 2016); In silico analysis, which includes protein predictors and evolutionary conservation, supports a deleterious effect; This variant is associated with the following publications: (PMID: 16470531, 26003532, 27430617, 12186468, 24127277, 11380921, 11781872)

Genomic Diagnostic Laboratory, Division of Genomic Diagnostics, Children's Hospital of Philadelphia
Classification: Likely pathogenic for Crouzon syndrome. Last evaluated: 2016-09-17. Review status: criteria provided, single submitter. Criteria: DGD Variant Analysis Guidelines. Collection method: clinical testing. Allele origin: germline. Affected: yes. Observed: 1 variant allele.
Comment: Clinical Testing

PreventionGenetics, part of Exact Sciences
Classification: Likely pathogenic for FGFR2-related condition. Last evaluated: 2023-12-06. Review status: no assertion criteria provided. Collection method: clinical testing. Allele origin: germline. Not counted in ClinVar's aggregate classification.
Comment: The FGFR2 c.842A>G variant is predicted to result in the amino acid substitution p.Tyr281Cys. This variant was reported in individuals with Crouzon syndrome (Tsai et al. 2001. PubMed ID: 11380921; Fujisawa et al. 2002. PubMed ID: 12186468; Roscioli et al. 2013. PubMed ID: 24127277; Bukowska-Olech et al. 2022. PubMed ID: 35591945). This variant has not been reported in a large population database, indicating this variant is rare. This variant is interpreted as likely pathogenic.

Literature cited by the submitters: PubMed 11781872 (cited by Labcorp Genetics (formerly Invitae), Labcorp); PubMed 12186468 (cited by Labcorp Genetics (formerly Invitae), Labcorp); PubMed 16470531 (cited by Labcorp Genetics (formerly Invitae), Labcorp); PubMed 26557159 (cited by Labcorp Genetics (formerly Invitae), Labcorp); PubMed 27430617 (cited by Labcorp Genetics (formerly Invitae), Labcorp).